The following is an entry in ClinVar:

NM_000262.3(NAGA):c.575A>G (p.Tyr192Cys)

Genes: NAGA (alpha-N-acetylgalactosaminidase; minus strand), LOC126863160 (CDK7 strongly-dependent group 2 enhancer GRCh37_chr22:42462918-42464117; plus strand). Cytogenetic location: 22q13.2.
Variant type: single nucleotide variant.
Coding change: c.575A>G on transcript NM_000262.3 (MANE Select); coding-DNA position 575, A replaced by G.
Protein change: p.Tyr192Cys; replaces tyrosine 192 with cysteine.
Molecular consequence: missense variant.
Genome position (GRCh38, 1-based): chr22:42,066,732, T>C on the plus strand (A>G on the coding strand, the complement: NAGA is on the minus strand). VCF-style: chr22-42066732-T-C. GRCh37 (hg19) VCF-style: chr22-42462736-T-C.
Other names: c.575A>G, p.Tyr192Cys (NM_001362848.1, NM_001362850.1); short protein forms Y192C.
Identifiers: ClinVar variation 2273293 (VCV002273293.3), dbSNP rs750894817, ClinGen allele CA10263771.

ClinVar aggregate classification (germline): Uncertain significance. Review status: criteria provided, multiple submitters, no conflicts (2 of 4 stars). 2 submissions from 2 submitters: Uncertain significance (2). Last evaluated 2026-08-19.

Conditions:
Alpha-N-acetylgalactosaminidase deficiency. Identifiers: Orphanet 3137, MedGen C5848084, MONDO:0017779.
Inborn genetic diseases. Identifiers: MedGen C0950123, MeSH D030342.

Allele frequency attached by ClinVar (database versions not stated): gnomAD exomes 0.00001; TOPMed 0.00001; gnomAD 0.00002; ExAC 0.00006.
gnomAD v4.1: 12 of 1,604,130 alleles (0.00075%); highest among the groups gnomAD compares: South Asian, 0.0034%; no homozygotes.

Submissions (2):

Myriad Genetics, Inc.
Classification: Uncertain significance for Alpha-N-acetylgalactosaminidase deficiency. Last evaluated: 2026-08-19. Review status: criteria provided, single submitter. Criteria: Myriad Autosomal Dominant, Autosomal Recessive and X-Linked Classification Criteria (2023). Collection method: clinical testing. Allele origin: unknown.
Comment: NM_000262.2(NAGA):c.575A>G(Y192C) is a missense variant classified as a variant of uncertain significance in the context of NAGA-related disorders. Y192C has not been observed in cases with relevant disease. Relevant functional assessments of this variant are not available in the literature. Y192C has been observed in referenced population frequency databases. In summary, there is insufficient evidence to classify NM_000262.2(NAGA):c.575A>G(Y192C) as pathogenic or benign. Please note: this variant was assessed in the context of healthy population screening.

Ambry Genetics
Classification: Uncertain significance for Inborn genetic diseases. Last evaluated: 2022-01-26. Review status: criteria provided, single submitter. Criteria: Ambry Variant Classification Scheme 2023. Collection method: clinical testing. Allele origin: germline.